The following is an entry in ClinVar:

NM_004304.5(ALK):c.4162C>T (p.Gln1388Ter)

Gene: ALK (ALK receptor tyrosine kinase; minus strand). Cytogenetic location: 2p23.2.
Variant type: single nucleotide variant.
Coding change: c.4162C>T on transcript NM_004304.5 (MANE Select); coding-DNA position 4162, C replaced by T.
Protein change: p.Gln1388Ter; replaces glutamine 1388 with a stop codon.
Molecular consequence: nonsense.
Genome position (GRCh38, 1-based): chr2:29,196,772, G>A on the plus strand (C>T on the coding strand, the complement: ALK is on the minus strand). VCF-style: chr2-29196772-G-A. GRCh37 (hg19) VCF-style: chr2-29419638-G-A.
Other names: c.958C>T, p.Gln320Ter (NM_001353765.2); short protein forms Q1388*, Q320*.
Identifiers: ClinVar variation 4272900 (VCV004272900.2).

ClinVar aggregate classification (germline): Uncertain significance (1 of 4 stars; one submission).

Conditions:
Hereditary cancer-predisposing syndrome. Also called: Neoplastic Syndromes, Hereditary; Tumor predisposition; Hereditary Cancer Syndrome; Hereditary neoplastic syndrome. Identifiers: Orphanet 140162, MedGen C0027672, MeSH D009386, MONDO:0015356.

Submission:

Ambry Genetics
Classification: Uncertain significance for Hereditary cancer-predisposing syndrome. Last evaluated: 2026-07-30. Review status: criteria provided, single submitter. Criteria: Ambry Variant Classification Scheme 2023. Collection method: clinical testing. Allele origin: germline.
Comment: The p.Q1388* variant (also known as c.4162C>T), located in coding exon 28 of the ALK gene, results from a C to T substitution at nucleotide position 4162. This changes the amino acid from a glutamine to a stop codon within coding exon 28. This variant occurs at the 3' terminus of the gene and is not expected to trigger nonsense-mediated mRNA decay. Based on the available evidence, the clinical significance of this variant remains unclear.